The following is an entry in ClinVar:

ClinVar aggregate classification (germline): Uncertain significance (1 of 4 stars; one submission).

Allele frequency attached by ClinVar (database versions not stated): gnomAD 0.00015; TOPMed 0.00017; ExAC 0.00022; gnomAD exomes 0.00024; ESP Exome Variant Server 0.00031.
gnomAD v4.1: 364 of 1,613,882 alleles (0.023%); highest among the groups gnomAD compares: Non-Finnish European, 0.03%; no homozygotes.

Submission:

Labcorp Genetics (formerly Invitae), Labcorp
Classification: Uncertain significance. Last evaluated: 2025-10-21. Review status: criteria provided, single submitter. Criteria: Invitae Variant Classification Sherloc (09022015). Collection method: clinical testing. Allele origin: germline.
Comment: This sequence change replaces glycine, which is neutral and non-polar, with serine, which is neutral and polar, at codon 594 of the NIN protein (p.Gly594Ser). This variant is present in population databases (rs151083357, gnomAD 0.03%). This variant has not been reported in the literature in individuals affected with NIN-related conditions. ClinVar contains an entry for this variant (Variation ID: 2084105). An algorithm developed to predict the effect of missense changes on protein structure and function outputs the following: PolyPhen-2: "Benign". The serine amino acid residue is found in multiple mammalian species, which suggests that this missense change does not adversely affect protein function. In summary, the available evidence is currently insufficient to determine the role of this variant in disease. Therefore, it has been classified as a Variant of Uncertain Significance.

NM_020921.4(NIN):c.1780G>A (p.Gly594Ser)

Gene: NIN (ninein; minus strand). Cytogenetic location: 14q22.1.
Variant type: single nucleotide variant.
Coding change: c.1780G>A on transcript NM_020921.4 (MANE Select); coding-DNA position 1780, G replaced by A.
Protein change: p.Gly594Ser; replaces glycine 594 with serine.
Molecular consequence: missense variant.
Genome position (GRCh38, 1-based): chr14:50,761,906, C>T on the plus strand (G>A on the coding strand, the complement: NIN is on the minus strand). VCF-style: chr14-50761906-C-T. GRCh37 (hg19) VCF-style: chr14-51228624-C-T.
Other names: c.1780G>A, p.Gly594Ser (NM_016350.5, NM_182944.3, NM_182946.2); short protein forms G594S.
Identifiers: ClinVar variation 2084105 (VCV002084105.4), dbSNP rs151083357, ClinGen allele CA7182083.